The following is an entry in ClinVar:

ClinVar aggregate classification (germline): Uncertain significance (1 of 4 stars; one submission).

gnomAD v4.1: 12 of 1,614,116 alleles (0.00074%); highest among the groups gnomAD compares: East Asian, 0.022%; no homozygotes.

Submission:

GeneDx
Classification: Uncertain significance. Last evaluated: 2022-09-07. Review status: criteria provided, single submitter. Criteria: GeneDx Variant Classification Process June 2021. Collection method: clinical testing. Allele origin: germline. Affected: yes.
Comment: In silico analysis supports that this missense variant has a deleterious effect on protein structure/function; Has not been previously published as pathogenic or benign to our knowledge

NM_002968.3(SALL1):c.652G>A (p.Gly218Arg)

Gene: SALL1 (spalt like transcription factor 1; minus strand). Cytogenetic location: 16q12.1.
Variant type: single nucleotide variant.
Coding change: c.652G>A on transcript NM_002968.3 (MANE Select); coding-DNA position 652, G replaced by A.
Protein change: p.Gly218Arg; replaces glycine 218 with arginine.
Molecular consequence: missense variant.
Genome position (GRCh38, 1-based): chr16:51,141,570, C>T on the plus strand (G>A on the coding strand, the complement: SALL1 is on the minus strand). VCF-style: chr16-51141570-C-T. GRCh37 (hg19) VCF-style: chr16-51175481-C-T.
Other names: c.361G>A, p.Gly121Arg (NM_001127892.2); short protein forms G121R, G218R.
Identifiers: ClinVar variation 2443607 (VCV002443607.1), dbSNP rs755995166, ClinGen allele CA8053415.